The following is an entry in ClinVar:

NM_001367479.1(DNAH14):c.5196+2T>C

Gene: DNAH14 (dynein axonemal heavy chain 14; plus strand). Cytogenetic location: 1q42.12.
Variant type: single nucleotide variant.
Coding change: c.5196+2T>C on transcript NM_001367479.1 (MANE Select); the canonical splice donor site of the intron after coding-DNA position 5196, T replaced by C.
Molecular consequence: splice donor variant.
Genome position (GRCh38, 1-based): chr1:225,152,885, T>C. VCF-style: chr1-225152885-T-C. GRCh37 (hg19) VCF-style: chr1-225340587-T-C.
Identifiers: ClinVar variation 3363472 (VCV003363472.1).

ClinVar aggregate classification (germline): Uncertain significance (1 of 4 stars; one submission).

gnomAD v4.1: 1 of 1,544,656 alleles (0.000065%); highest among the groups gnomAD compares: African/African-American, 0.0014%; no homozygotes.

Submission:

GeneDx
Classification: Uncertain significance. Last evaluated: 2023-11-09. Review status: criteria provided, single submitter. Criteria: GeneDx Variant Classification Process June 2021. Collection method: clinical testing. Allele origin: germline. Affected: yes.
Comment: Has not been previously published as pathogenic or benign to our knowledge; Not observed at significant frequency in large population cohorts (gnomAD); Canonical splice site variant in a gene for which loss-of-function is not a known mechanism of disease